The following is an entry in ClinVar:

ClinVar aggregate classification (germline): Uncertain significance (1 of 4 stars; one submission).

Conditions:
DICER1-related tumor predisposition. Also called: DICER1 syndrome; DICER1-related pleuropulmonary blastoma cancer predisposition syndrome. Identifiers: Orphanet 284343, MedGen C3839822, MONDO:0100216.

Submission:

Labcorp Genetics (formerly Invitae), Labcorp
Classification: Uncertain significance for DICER1-related tumor predisposition. Last evaluated: 2023-05-22. Review status: criteria provided, single submitter. Criteria: Invitae Variant Classification Sherloc (09022015). Collection method: clinical testing. Allele origin: germline.
Comment: In summary, the available evidence is currently insufficient to determine the role of this variant in disease. Therefore, it has been classified as a Variant of Uncertain Significance. Advanced modeling of protein sequence and biophysical properties (such as structural, functional, and spatial information, amino acid conservation, physicochemical variation, residue mobility, and thermodynamic stability) performed at Invitae indicates that this missense variant is not expected to disrupt DICER1 protein function. ClinVar contains an entry for this variant (Variation ID: 1719237). This variant has not been reported in the literature in individuals affected with DICER1-related conditions. This variant is not present in population databases (gnomAD no frequency). This sequence change replaces asparagine, which is neutral and polar, with histidine, which is basic and polar, at codon 440 of the DICER1 protein (p.Asn440His).

NM_177438.3(DICER1):c.1318A>C (p.Asn440His)

Gene: DICER1 (dicer 1, ribonuclease III; minus strand). Cytogenetic location: 14q32.13.
Variant type: single nucleotide variant.
Coding change: c.1318A>C on transcript NM_177438.3 (MANE Select); coding-DNA position 1318, A replaced by C.
Protein change: p.Asn440His; replaces asparagine 440 with histidine.
Molecular consequence: missense variant. On other transcripts: 5 prime UTR variant (1), non-coding transcript variant (6).
Genome position (GRCh38, 1-based): chr14:95,124,254, T>G on the plus strand (A>C on the coding strand, the complement: DICER1 is on the minus strand). VCF-style: chr14-95124254-T-G. GRCh37 (hg19) VCF-style: chr14-95590591-T-G.
Other names: c.1318A>C, p.Asn440His (NM_001195573.1, NM_001271282.3, NM_001291628.2 and 15 more transcripts); c.1036A>C, p.Asn346His (NM_001395686.1); c.913A>C, p.Asn305His (NM_001395687.1, NM_001395688.1, NM_001395689.1 and 3 more transcripts); c.751A>C, p.Asn251His (NM_001395691.1); c.-251A>C (NM_001395697.1); short protein forms N251H, N305H, N346H, N440H.
Identifiers: ClinVar variation 1719237 (VCV001719237.6), dbSNP rs2543171977, ClinGen allele CA390886241.